The following is an entry in ClinVar:

ClinVar aggregate classification (germline): Uncertain significance (1 of 4 stars; one submission).

Allele frequency attached by ClinVar (database versions not stated): gnomAD exomes 0.00003; gnomAD 0.00006; ESP Exome Variant Server 0.00008; ExAC 0.00010; 1000 Genomes Project 30x 0.00062; 1000 Genomes Project 0.00080.
gnomAD v4.1: 50 of 1,596,960 alleles (0.0031%); highest among the groups gnomAD compares: Middle Eastern, 0.034%; 1 homozygote.

Submission:

Labcorp Genetics (formerly Invitae), Labcorp
Classification: Uncertain significance. Last evaluated: 2025-06-27. Review status: criteria provided, single submitter. Criteria: Invitae Variant Classification Sherloc (09022015). Collection method: clinical testing. Allele origin: germline.
Comment: This sequence change replaces leucine, which is neutral and non-polar, with isoleucine, which is neutral and non-polar, at codon 1141 of the SLC12A2 protein (p.Leu1141Ile). This variant is present in population databases (rs115987273, gnomAD 0.008%). This variant has not been reported in the literature in individuals affected with SLC12A2-related conditions. ClinVar contains an entry for this variant (Variation ID: 2157109). Invitae Evidence Modeling of protein sequence and biophysical properties (such as structural, functional, and spatial information, amino acid conservation, physicochemical variation, residue mobility, and thermodynamic stability) indicates that this missense variant is not expected to disrupt SLC12A2 protein function with a negative predictive value of 80%. In summary, the available evidence is currently insufficient to determine the role of this variant in disease. Therefore, it has been classified as a Variant of Uncertain Significance.

NM_001046.3(SLC12A2):c.3421C>A (p.Leu1141Ile)

Gene: SLC12A2 (solute carrier family 12 member 2; plus strand). Cytogenetic location: 5q23.3.
Variant type: single nucleotide variant.
Coding change: c.3421C>A on transcript NM_001046.3 (MANE Select); coding-DNA position 3421, C replaced by A.
Protein change: p.Leu1141Ile; replaces leucine 1141 with isoleucine.
Molecular consequence: missense variant. On other transcripts: non-coding transcript variant (1).
Genome position (GRCh38, 1-based): chr5:128,184,487, C>A. VCF-style: chr5-128184487-C-A. GRCh37 (hg19) VCF-style: chr5-127520179-C-A.
Other names: c.3373C>A, p.Leu1125Ile (NM_001256461.2); short protein forms L1141I, L1125I.
Identifiers: ClinVar variation 2157109 (VCV002157109.4), dbSNP rs115987273, ClinGen allele CA3393650.